The following is an entry in ClinVar:

ClinVar aggregate classification (germline): Uncertain significance (1 of 4 stars; one submission).

Submission:

GeneDx
Classification: Uncertain significance. Last evaluated: 2018-05-16. Review status: criteria provided, single submitter. Criteria: GeneDx Variant Classification (06012015). Collection method: clinical testing. Allele origin: germline. Affected: yes.
Comment: A variant of uncertain significance has been identified in the PGK1 gene. The c.936+5G>A variant has not been reported previously as a pathogenic variant nor as a benign variant, to our knowledge. This variant reduces the quality of the splice donor site of intron 8, and is expected to cause abnormal gene splicing. The c.936+5G>A variant is not observed in large population cohorts (Lek et al., 2016). Therefore, based on the currently available information, it is unclear whether this variant is a pathogenic variant or a rare benign variant.

NM_000291.4(PGK1):c.936+5G>A

Gene: PGK1 (phosphoglycerate kinase 1; plus strand). Cytogenetic location: Xq21.1.
Variant type: single nucleotide variant.
Coding change: c.936+5G>A on transcript NM_000291.4 (MANE Select); 5 bases into the intron after coding-DNA position 936, G replaced by A.
Molecular consequence: intron variant.
Genome position (GRCh38, 1-based): chrX:78,123,379, G>A. VCF-style: chrX-78123379-G-A. GRCh37 (hg19) VCF-style: chrX-77378876-G-A.
Identifiers: ClinVar variation 546359 (VCV000546359.2), dbSNP rs1557248260, ClinGen allele CA658824583.
Genomic context (GRCh38, chrX:78,123,379, plus strand): 5'-AGAATGCCAAGACTGGCCAAGCCACTGTGGCTTCTGGCATACCTGCTGGCTGGATGGTGA[G>A]TCACTTGAGTGGGTTGGTAGTGTGAGTGAACAGAAACTCTGTGGTGTCATTTATTCATTG-3'